The following is an entry in ClinVar:

ClinVar aggregate classification (germline): Likely benign. Review status: criteria provided, multiple submitters, no conflicts (2 of 4 stars). 3 submissions from 3 submitters: Likely benign (2). 1 of the submissions does not count toward it. Last evaluated 2026-01-22.

Conditions:
ARIH1-related disorder. Also called: ARIH1-related condition.

Allele frequency attached by ClinVar (database versions not stated): gnomAD exomes 0.00015; ExAC 0.00043; ESP Exome Variant Server 0.00046; gnomAD 0.00177 and 0.00189; TOPMed 0.00186; 1000 Genomes Project 0.00260; 1000 Genomes Project 30x 0.00281.
gnomAD v4.1: 479 of 1,445,906 alleles (0.033%); highest among the groups gnomAD compares: African/African-American, 0.56%; no homozygotes.

Submissions (3):

Labcorp Genetics (formerly Invitae), Labcorp
Classification: Likely benign. Last evaluated: 2026-01-22. Review status: criteria provided, single submitter. Criteria: Invitae Variant Classification Sherloc (09022015). Collection method: clinical testing. Allele origin: germline.

Breakthrough Genomics
Classification: Likely benign. Review status: criteria provided, single submitter. Criteria: ACMG Guidelines, 2015. Collection method: not provided. Allele origin: germline. Inheritance: Unknown mechanism. Affected: yes.

PreventionGenetics, part of Exact Sciences
Classification: Likely benign for ARIH1-related condition. Last evaluated: 2024-05-13. Review status: no assertion criteria provided. Collection method: clinical testing. Allele origin: germline. Not counted in ClinVar's aggregate classification.
Comment: This variant is classified as likely benign based on ACMG/AMP sequence variant interpretation guidelines (Richards et al. 2015 PMID: 25741868, with internal and published modifications).

NM_005744.5(ARIH1):c.264T>C (p.Gly88=)

Gene: ARIH1 (ariadne RBR E3 ubiquitin protein ligase 1; plus strand). Cytogenetic location: 15q24.1.
Variant type: single nucleotide variant.
Coding change: c.264T>C on transcript NM_005744.5 (MANE Select); coding-DNA position 264, T replaced by C.
Protein change: p.Gly88=; no amino-acid change (glycine 88 retained).
Molecular consequence: synonymous variant.
Genome position (GRCh38, 1-based): chr15:72,474,903, T>C. VCF-style: chr15-72474903-T-C. GRCh37 (hg19) VCF-style: chr15-72767244-T-C.
Other names: c.264T>C (NM_005744.3).
Identifiers: ClinVar variation 1662444 (VCV001662444.10), dbSNP rs373373660, ClinGen allele CA7645459.